The following is an entry in ClinVar:

NM_002878.4(RAD51D):c.823C>G (p.Arg275Gly)

Genes: RAD51D (RAD51 paralog D; minus strand), RAD51L3-RFFL (RAD51L3-RFFL readthrough; minus strand). Cytogenetic location: 17q12.
Variant type: single nucleotide variant.
Coding change: c.823C>G on transcript NM_002878.4 (MANE Select); coding-DNA position 823, C replaced by G.
Protein change: p.Arg275Gly; replaces arginine 275 with glycine.
Molecular consequence: missense variant. On other transcripts: non-coding transcript variant (3).
Genome position (GRCh38, 1-based): chr17:35,101,281, G>C on the plus strand (C>G on the coding strand, the complement: RAD51D is on the minus strand). VCF-style: chr17-35101281-G-C. GRCh37 (hg19) VCF-style: chr17-33428300-G-C.
Other names: c.883C>G, p.Arg295Gly (NM_001142571.2); c.487C>G, p.Arg163Gly (NM_133629.3); short protein forms R275G, R295G, R163G.
Identifiers: ClinVar variation 3942395 (VCV003942395.1).

ClinVar aggregate classification (germline): Uncertain significance (1 of 4 stars; one submission).

Conditions:
Hereditary cancer-predisposing syndrome. Also called: Tumor predisposition; Hereditary neoplastic syndrome; Hereditary Cancer Syndrome; Neoplastic Syndromes, Hereditary. Identifiers: Orphanet 140162, MedGen C0027672, MeSH D009386, MONDO:0015356.

Submission:

Ambry Genetics
Classification: Uncertain significance for Hereditary cancer-predisposing syndrome. Last evaluated: 2025-06-12. Review status: criteria provided, single submitter. Criteria: Ambry Variant Classification Scheme 2023. Collection method: clinical testing. Allele origin: germline.
Comment: The p.R275G variant (also known as c.823C>G), located in coding exon 9 of the RAD51D gene, results from a C to G substitution at nucleotide position 823. The arginine at codon 275 is replaced by glycine, an amino acid with dissimilar properties. This amino acid position is conserved. In addition, this alteration is predicted to be deleterious by in silico analysis. Based on the available evidence, the clinical significance of this variant remains unclear.